The following is an entry in ClinVar:

ClinVar aggregate classification (germline): Uncertain significance. Review status: criteria provided, multiple submitters, no conflicts (2 of 4 stars). 2 submissions from 2 submitters: Uncertain significance (2). Last evaluated 2023-07-25.

Allele frequency attached by ClinVar (database versions not stated): TOPMed 0.00001; gnomAD 0.00002; gnomAD exomes 0.00003; ExAC 0.00005.

Submissions (2):

Mayo Clinic Laboratories, Mayo Clinic
Classification: Uncertain significance. Last evaluated: 2023-07-25. Review status: criteria provided, single submitter. Criteria: ACMG Guidelines, 2015. Collection method: clinical testing. Allele origin: germline. Observed: 1 variant allele.

Labcorp Genetics (formerly Invitae), Labcorp
Classification: Uncertain significance. Last evaluated: 2022-08-19. Review status: criteria provided, single submitter. Criteria: Invitae Variant Classification Sherloc (09022015). Collection method: clinical testing. Allele origin: germline.
Comment: Algorithms developed to predict the effect of missense changes on protein structure and function are either unavailable or do not agree on the potential impact of this missense change (SIFT: "Deleterious"; PolyPhen-2: "Probably Damaging"; Align-GVGD: "Class C0"). This variant has not been reported in the literature in individuals affected with VPS13C-related conditions. In summary, the available evidence is currently insufficient to determine the role of this variant in disease. Therefore, it has been classified as a Variant of Uncertain Significance. This variant is present in population databases (rs370499816, gnomAD 0.009%). This sequence change replaces tyrosine, which is neutral and polar, with cysteine, which is neutral and slightly polar, at codon 583 of the VPS13C protein (p.Tyr583Cys).

NM_020821.3(VPS13C):c.1748A>G (p.Tyr583Cys)

Gene: VPS13C (vacuolar protein sorting 13 homolog C; minus strand). Cytogenetic location: 15q22.2.
Variant type: single nucleotide variant.
Coding change: c.1748A>G on transcript NM_020821.3 (MANE Select); coding-DNA position 1748, A replaced by G.
Protein change: p.Tyr583Cys; replaces tyrosine 583 with cysteine.
Molecular consequence: missense variant.
Genome position (GRCh38, 1-based): chr15:61,983,986, T>C on the plus strand (A>G on the coding strand, the complement: VPS13C is on the minus strand). VCF-style: chr15-61983986-T-C. GRCh37 (hg19) VCF-style: chr15-62276185-T-C.
Other names: p.Tyr583Cys; c.1748A>G, p.Tyr583Cys (NM_001018088.3); c.1619A>G, p.Tyr540Cys (NM_017684.5, NM_018080.4); short protein forms Y583C, Y540C.
Identifiers: ClinVar variation 2192986 (VCV002192986.5), dbSNP rs370499816, ClinGen allele CA7596936.
Genomic context (GRCh38, chr15:61,983,986, plus strand): 5'-GTGTCACCAATTGAAGCCACAAGTGATGGCACAATATCCTGCTGTCTCAAACCTGTTATA[T>C]ACCAGTGTTCTAATTTCGCTTCTACCCTATAATCCAATGAAGAACAAGGAAAGATGCAGA-3'
Protein context (NP_065872.1, residues 573-593): LKVEAKLEHW[Tyr583Cys]ITGLRQQDIV